The following is an entry in ClinVar:

ClinVar aggregate classification (germline): Pathogenic. Review status: reviewed by expert panel (3 of 4 stars). 13 submissions from 13 submitters: Pathogenic (1). 12 of the submissions do not count toward it. Last evaluated 2019-09-16.

Conditions:
Usher syndrome. Also called: Usher Syndromes; Usher's syndrome. Identifiers: Orphanet 886, MedGen CN469326, MeSH D052245, MONDO:0019501. Disease mechanism: loss of function.
MYO7A-related disorder. Also called: MYO7A-related disorders.
Autosomal recessive nonsyndromic hearing loss 2. Also called: DEAFNESS, AUTOSOMAL RECESSIVE 2; NEUROSENSORY NONSYNDROMIC RECESSIVE DEAFNESS 2. Identifiers: Orphanet 90636, MedGen C1838701, MONDO:0010807, OMIM 600060.
Usher syndrome type 1 (USH1). Also called: RETINITIS PIGMENTOSA AND CONGENITAL DEAFNESS. Identifiers: Orphanet 231169, Orphanet 886, MedGen C1568247, MONDO:0010168, OMIM 276900.
Inborn genetic diseases. Identifiers: MedGen C0950123, MeSH D030342.
Retinal dystrophy. Also called: Inherited retinal dystrophy. Identifiers: Orphanet 71862, MedGen C0854723, MeSH D058499, MONDO:0019118, HP:0000556.
Autosomal dominant nonsyndromic hearing loss 11. Identifiers: Orphanet 90635, MedGen C1832475, MONDO:0011032, OMIM 601317.
Usher syndrome type 1B (USH1B). Also called: Usher syndrome type IB. Identifiers: MedGen C1848638, MONDO:0700087.

Allele frequency attached by ClinVar (database versions not stated): TOPMed 0.00002; gnomAD 0.00004.
gnomAD v4.1: 15 of 1,556,746 alleles (0.00096%); highest among the groups gnomAD compares: South Asian, 0.0011%; no homozygotes.

Submissions 1 to 10 of 13:

ClinGen Hearing Loss Variant Curation Expert Panel
Classification: Pathogenic for Usher syndrome. Last evaluated: 2019-09-16. Review status: reviewed by expert panel. Criteria: ClinGen HL ACMG Specifications v1. Collection method: curation. Allele origin: germline. Inheritance: Autosomal recessive inheritance.
Comment: The c.3503G>A (p.Arg1168Gln) variant in MYO7A has been detected in at least 4 probands with Usher syndrome. For two of those probands, a pathogenic or suspected-pathogenic variants was observed in trans, and in one individual, the variant was observed with a pathogenic or suspected-pathogenic variant, but it was unclear if phasing was performed (PM3_Strong, PP4; PMID:25404053, 27460420, 28944237). The allele frequency of this variant is 0.004%% (1/26850) of South Asian chromosomes by gnomAD, which is a low enough frequency to apply PM2 based on the thresholds defined by the ClinGen Hearing Loss Expert Panel for autosomal recessive hearing loss (PM2). The c.3503G>A (p.Arg1168Gln) variant is located in the last base of the exon, which is part of the 5' consensus sequence, and computational tools suggest an impact to splicing. Furthermore, tThe REVEL computational prediction analysis tool produced a score of 0.9, which is above the threshold necessary to apply PP3. A different likely pathogenic or suspected-pathogenic variant at the same nucleotide (c.3503G>C, Arg1168Pro) has been previously identified in an individual with Usher syndrome who was compound heterozygous for a second pathogenic truncating variant (PMID: 16470552). In addition, a minigene assay demonstrated that the 3503G>C variant led to skipping of exon 27 (PMID: 20052763) suggesting that variants that alter the c.3503G nucleotide may cause abnormal splicing (PM5_Supporting). In summary, this variant meets criteria to be classified as likely pathogenic for autosomal recessive Usher syndrome based on the ACMG/AMP criteria applied, as specified by the Hearing Loss Expert Panel: PM3_Strong, PP4, PM2, PP3, PM5_Supporting.

Natera, Inc.
Classification: Pathogenic for Usher syndrome type 1B. Last evaluated: 2025-11-17. Review status: criteria provided, single submitter. Criteria: Natera Variant Classification Schema (03/2026). Collection method: clinical testing. Allele origin: germline. Not counted in ClinVar's aggregate classification.
Comment: The c.3503G>A variant in MYO7A is a missense variant predicted to cause substitution of arginine to glutamine at amino acid 1168. This variant is rare in the general population with a frequency below the threshold expected for the associated phenotype(s). This variant has been observed in one or more individuals affected with the associated recessive disease, as either homozygous or compound heterozygous with a second variant (PMID: 30459346, 28944237, 27957503). Given the available evidence, this variant is classified as Pathogenic.

GeneDx
Classification: Pathogenic. Last evaluated: 2025-05-06. Review status: criteria provided, single submitter. Criteria: GeneDx Variant Classification Process June 2021. Collection method: clinical testing. Allele origin: germline. Affected: yes. Not counted in ClinVar's aggregate classification.
Comment: In silico analysis supports that this missense variant has a deleterious effect on protein structure/function; This variant is associated with the following publications: (PMID: 27957503, 25404053, 27460420, 15221449, 9354784, 20132242, 17361009, 8900236, 10094549, 9382091, 21150918, 9171833, 21174530, 18181211, 8776602, 28944237, 34948090, 31964843, 32531858, 31479088, 30459346, 40269797)

Fulgent Genetics
Classification: Pathogenic for Usher syndrome type 1; Autosomal recessive nonsyndromic hearing loss 2; Autosomal dominant nonsyndromic hearing loss 11. Last evaluated: 2024-03-12. Review status: criteria provided, single submitter. Criteria: ACMG Guidelines, 2015. Collection method: clinical testing. Allele origin: germline. Not counted in ClinVar's aggregate classification.

Labcorp Genetics (formerly Invitae), Labcorp
Classification: Pathogenic. Last evaluated: 2024-02-27. Review status: criteria provided, single submitter. Criteria: Invitae Variant Classification Sherloc (09022015). Collection method: clinical testing. Allele origin: germline. Not counted in ClinVar's aggregate classification.
Comment: This sequence change replaces arginine, which is basic and polar, with glutamine, which is neutral and polar, at codon 1168 of the MYO7A protein (p.Arg1168Gln). This variant also falls at the last nucleotide of exon 27, which is part of the consensus splice site for this exon. The frequency data for this variant in the population databases is considered unreliable, as metrics indicate poor data quality at this position in the gnomAD database. This missense change has been observed in individuals with autosomal recessive Usher syndrome (PMID: 25404053, 27460420, 28944237). ClinVar contains an entry for this variant (Variation ID: 179479). An algorithm developed to predict the effect of missense changes on protein structure and function (PolyPhen-2) suggests that this variant is likely to be disruptive. Variants that disrupt the consensus splice site are a relatively common cause of aberrant splicing (PMID: 17576681, 9536098). For these reasons, this variant has been classified as Pathogenic.

Blueprint Genetics
Classification: Pathogenic for MYO7A-related disorders. Last evaluated: 2023-10-05. Review status: criteria provided, single submitter. Criteria: ACMG Guidelines, 2015. Collection method: clinical testing. Allele origin: germline. Affected: yes. Observed: 5 variant alleles. Not counted in ClinVar's aggregate classification.

Women's Health and Genetics/Laboratory Corporation of America, LabCorp
Classification: Pathogenic for Usher syndrome. Last evaluated: 2023-07-25. Review status: criteria provided, single submitter. Criteria: LabCorp Variant Classification Summary - May 2015. Collection method: clinical testing. Allele origin: germline. Not counted in ClinVar's aggregate classification.
Comment: Variant summary: MYO7A c.3503G>A (p.Arg1168Gln) results in a conservative amino acid change located in the MyTH4 domain (IPR000857) of the encoded protein sequence . This variant also locates in the last base of exon 27, which is part of the 5' consensus splice region. Three of five in-silico tools predict a damaging effect of the variant on protein function. Several computational tools predict a significant impact on normal splicing: Two predict the variant abolishes the 5 splicing donor site. Two predict the variant weakens the 5' splicing donor site. However, these predictions have yet to be confirmed by functional studies. The variant allele was found at a frequency of 5.1e-06 in 196868 control chromosomes in gnomAD. c.3503G>A has been reported in the literature in multiple individuals affected with Usher Syndrome, including being compound heterozygous state with five different pathogenic/likely pathogenic variants in at-least five Usher Syndrome cases and being homozygous in at-least one Usher Syndrome case (example: Aparisi_2014, Dad_2016, Fuster-Garcia_2018, Neuhaus_2017, Weisschuh_2020). These data indicate that the variant is very likely to be associated with disease. To our knowledge, no experimental evidence demonstrating an impact on protein function has been reported. The following publications have been ascertained in the context of this evaluation (PMID: 25404053, 27957503, 30459346, 28944237, 32531858). Five submitters including the ClinGen Hearing Loss Variant Curation Expert Panel have cited clinical-significance assessments for this variant to ClinVar after 2014. All submitters classified the variant as pathogenic/likely pathogenic. Based on the evidence outlined above, the variant was classified as pathogenic.

Institute of Human Genetics, Univ. Regensburg, Univ. Regensburg
Classification: Likely pathogenic for Retinal dystrophy. Last evaluated: 2020-01-01. Review status: criteria provided, single submitter. Criteria: ACMG Guidelines, 2015. Collection method: clinical testing. Allele origin: germline. Affected: yes. Not counted in ClinVar's aggregate classification.

CeGaT Center for Human Genetics Tuebingen
Classification: Pathogenic. Last evaluated: 2017-11-01. Review status: criteria provided, single submitter. Criteria: CeGaT Center For Human Genetics Tuebingen Variant Classification Criteria Version 2. Collection method: clinical testing. Allele origin: germline. Affected: yes. Observed: 1 variant allele. Not counted in ClinVar's aggregate classification.

Ambry Genetics
Classification: Pathogenic for Inborn genetic diseases. Last evaluated: 2016-06-23. Review status: criteria provided, single submitter. Criteria: Ambry exome assertion method (8-5-2015). Collection method: clinical testing. Allele origin: germline. Affected: yes. Observed: 1 variant allele. Not counted in ClinVar's aggregate classification.

NM_000260.4(MYO7A):c.3503G>A (p.Arg1168Gln)

Gene: MYO7A (myosin VIIA; plus strand). Cytogenetic location: 11q13.5.
Variant type: single nucleotide variant.
Coding change: c.3503G>A on transcript NM_000260.4 (MANE Select); coding-DNA position 3503, G replaced by A.
Protein change: p.Arg1168Gln; replaces arginine 1168 with glutamine.
Molecular consequence: missense variant.
Genome position (GRCh38, 1-based): chr11:77,184,715, G>A. VCF-style: chr11-77184715-G-A. GRCh37 (hg19) VCF-style: chr11-76895760-G-A.
Other names: NM_001127179.2:c.3503G>A; c.3503G>A, p.Arg1168Gln (NM_001127180.2); c.3470G>A, p.Arg1157Gln (NM_001369365.1); short protein forms R1168Q, R1157Q.
Identifiers: ClinVar variation 179479 (VCV000179479.62), dbSNP rs797044516, ClinGen allele CA184505.